The following is an entry in ClinVar:

NM_015047.3(EMC1):c.464A>T (p.His155Leu)

Gene: EMC1 (ER membrane protein complex subunit 1; minus strand). Cytogenetic location: 1p36.13.
Variant type: single nucleotide variant.
Coding change: c.464A>T on transcript NM_015047.3 (MANE Select); coding-DNA position 464, A replaced by T.
Protein change: p.His155Leu; replaces histidine 155 with leucine.
Molecular consequence: missense variant.
Genome position (GRCh38, 1-based): chr1:19,242,390, T>A on the plus strand (A>T on the coding strand, the complement: EMC1 is on the minus strand). VCF-style: chr1-19242390-T-A. GRCh37 (hg19) VCF-style: chr1-19568884-T-A.
Other names: c.464A>T (NM_015047.1, NM_015047.2); c.464A>T, p.His155Leu (NM_001271427.2, NM_001271428.2, NM_001375820.1 and 1 more transcripts); c.398A>T, p.His133Leu (NM_001271429.2); short protein forms H133L, H155L.
Identifiers: ClinVar variation 1382560 (VCV001382560.11), dbSNP rs752316981, ClinGen allele CA652903.
Genomic context (GRCh38, chr1:19,242,390, plus strand): 5'-AGCAGGCAGCCTTACCTTTCTGGGAGATGTTCCACCCACTTGAGGTGCCCACTGGAGAGG[T>A]GATGGAGGGCAAGTGTAGTCTTCTTCAGGACTGCGATGTACCTTACAGACTCCTGCAGGC-3'
Protein context (NP_055862.1, residues 145-165): VLKKTTLALH[His155Leu]LSSGHLKWVE

ClinVar aggregate classification (germline): Uncertain significance. Review status: criteria provided, multiple submitters, no conflicts (2 of 4 stars). 4 submissions from 4 submitters: Uncertain significance (4). Last evaluated 2025-12-02.

Conditions:
Cerebellar atrophy, visual impairment, and psychomotor retardation;. Also called: Cerebellar atrophy, visual impairment, and psychomotor retardation. Identifiers: MedGen C4225172, MONDO:0014811, OMIM 616875.
Inborn genetic diseases. Identifiers: MedGen C0950123, MeSH D030342.

Allele frequency attached by ClinVar (database versions not stated): gnomAD 0.00001; gnomAD exomes 0.00002 and 0.00004; TOPMed 0.00002; ExAC 0.00005.

Submissions (4):

Labcorp Genetics (formerly Invitae), Labcorp
Classification: Uncertain significance. Last evaluated: 2025-12-02. Review status: criteria provided, single submitter. Criteria: Invitae Variant Classification Sherloc (09022015). Collection method: clinical testing. Allele origin: germline.
Comment: This sequence change replaces histidine, which is basic and polar, with leucine, which is neutral and non-polar, at codon 155 of the EMC1 protein (p.His155Leu). This variant is present in population databases (rs752316981, gnomAD 0.007%). This variant has not been reported in the literature in individuals affected with EMC1-related conditions. ClinVar contains an entry for this variant (Variation ID: 1382560). Invitae Evidence Modeling of protein sequence and biophysical properties (such as structural, functional, and spatial information, amino acid conservation, physicochemical variation, residue mobility, and thermodynamic stability) indicates that this missense variant is not expected to disrupt EMC1 protein function with a negative predictive value of 80%. In summary, the available evidence is currently insufficient to determine the role of this variant in disease. Therefore, it has been classified as a Variant of Uncertain Significance.

GeneDx
Classification: Uncertain significance. Last evaluated: 2024-01-17. Review status: criteria provided, single submitter. Criteria: GeneDx Variant Classification Process June 2021. Collection method: clinical testing. Allele origin: germline. Affected: yes.
Comment: Not observed at significant frequency in large population cohorts (gnomAD); In silico analysis supports that this missense variant does not alter protein structure/function; Has not been previously published as pathogenic or benign to our knowledge

Ambry Genetics
Classification: Uncertain significance for Inborn genetic diseases. Last evaluated: 2023-05-17. Review status: criteria provided, single submitter. Criteria: Ambry Variant Classification Scheme 2023. Collection method: clinical testing. Allele origin: germline.

New York Genome Center
Classification: Uncertain significance for Cerebellar atrophy, visual impairment, and psychomotor retardation;. Last evaluated: 2023-05-11. Review status: criteria provided, single submitter. Criteria: NYGC Assertion Criteria 2020. Collection method: clinical testing. Allele origin: inherited. Observed: 1 compound heterozygote.
Comment: The c.464A>T variant in EMC1 has not previously been reported in the literature and it has been deposited in ClinVar [ClinVar ID: 1382560] as a Variant of Uncertain Significance. The c.464A>T variant is observed in 10 alleles (0.0016% minor allele frequency with 0 homozygotes) in population databases (gnomAD v2.1.1 and v3.1.2,TOPMed Freeze 8). The c.464A>T variant is located in exon 5 of this 23-exon gene and is predicted to replace a conserved histidine amino acid with leucine atposition 155 (p.(His155Leu)) in the quinoprotein alcohol dehydrogenase-like domain of the protein [PMID: 26942288, 35234901]. In silico predictions for p.(His155Leu) are inconclusive of the variant's effect [(CADD v1.6 = 22.9, REVEL = 0.082)]; however, there are no functional studies to support or refute these predictions. Based on available evidence this inherited c.464A>T p.(His155Leu) variant identified in EMC1 is classified as a Variant of Uncertain Significance.